The following is an entry in ClinVar:

NM_031885.5(BBS2):c.212_226del (p.Ile71_Val75del)

Gene: BBS2 (Bardet-Biedl syndrome 2; minus strand). Cytogenetic location: 16q13.
Variant type: Deletion.
Coding change: c.212_226del on transcript NM_031885.5 (MANE Select); coding-DNA positions 212 to 226, 15 bases deleted (TTAACCAGGCAGTCA).
Protein change: p.Ile71_Val75del.
Molecular consequence: inframe deletion. On other transcripts: non-coding transcript variant (5).
Genome position (GRCh38, 1-based): chr16:56,514,572-56,514,586, TGACTGCCTGGTTAA deleted on the plus strand (TTAACCAGGCAGTCA on the coding strand, the reverse complement: BBS2 is on the minus strand); deleting any 15 consecutive bases within chr16:56,514,572-56,514,588 gives the same sequence; the c. name uses the placement nearest the transcript's 3' end. VCF-style (leftmost placement, unchanged base first): chr16-56514571-CTGACTGCCTGGTTAA-C. GRCh37 (hg19) VCF-style: chr16-56548483-CTGACTGCCTGGTTAA-C.
Other names: c.212_226del, p.Ile71_Val75del (NM_001377456.1).
Identifiers: ClinVar variation 2824578 (VCV002824578.3), dbSNP rs2543741648, ClinGen allele CA2739265503.
Genomic context (GRCh38, chr16:56,514,571, plus strand): 5'-GTCCCCACTAAAAGGGCATCATAGCCAAGCTCAGGGTTCAATACGCCTGCAGTCAGACAG[CTGACTGCCTGGTTAA>C]TGCTGAGAAGAGAAACATCAGATTCCAGGGGGCTCTGGAAGACCCTGGATGCACTGACAT-3'

ClinVar aggregate classification (germline): Pathogenic (1 of 4 stars; one submission).

Conditions:
Bardet-Biedl syndrome (BBS). Identifiers: Orphanet 110, MedGen C0752166, MONDO:0015229.

Submission:

Labcorp Genetics (formerly Invitae), Labcorp
Classification: Pathogenic for Bardet-Biedl syndrome. Last evaluated: 2023-01-05. Review status: criteria provided, single submitter. Criteria: Invitae Variant Classification Sherloc (09022015). Collection method: clinical testing. Allele origin: germline.
Comment: For these reasons, this variant has been classified as Pathogenic. This variant disrupts a region of the BBS2 protein in which other variant(s) (p.Val75Gly) have been determined to be pathogenic (PMID: 11285252, 28143435, 31456290). This suggests that this is a clinically significant region of the protein, and that variants that disrupt it are likely to be disease-causing. Algorithms developed to predict the effect of sequence changes on RNA splicing suggest that this variant may create or strengthen a splice site. This variant has not been reported in the literature in individuals affected with BBS2-related conditions. This variant is not present in population databases (gnomAD no frequency). This variant, c.212_226del, results in the deletion of 5 amino acid(s) of the BBS2 protein (p.Ile71_Val75del), but otherwise preserves the integrity of the reading frame.

Literature cited by the submitters: PubMed 11285252; PubMed 28143435; PubMed 31456290.